The following is an entry in ClinVar:

ClinVar aggregate classification (germline): Uncertain significance (1 of 4 stars; one submission).

Submission:

Labcorp Genetics (formerly Invitae), Labcorp
Classification: Uncertain significance. Last evaluated: 2024-04-01. Review status: criteria provided, single submitter. Criteria: Invitae Variant Classification Sherloc (09022015). Collection method: clinical testing. Allele origin: germline.
Comment: This sequence change replaces serine, which is neutral and polar, with glycine, which is neutral and non-polar, at codon 23 of the STAMBP protein (p.Ser23Gly). This variant is not present in population databases (gnomAD no frequency). This variant has not been reported in the literature in individuals affected with STAMBP-related conditions. ClinVar contains an entry for this variant (Variation ID: 1950585). Advanced modeling of protein sequence and biophysical properties (such as structural, functional, and spatial information, amino acid conservation, physicochemical variation, residue mobility, and thermodynamic stability) performed at Invitae indicates that this missense variant is not expected to disrupt STAMBP protein function with a negative predictive value of 80%. In summary, the available evidence is currently insufficient to determine the role of this variant in disease. Therefore, it has been classified as a Variant of Uncertain Significance.

NM_213622.4(STAMBP):c.67A>G (p.Ser23Gly)

Genes: STAMBP (STAM binding protein; plus strand), LOC126806253 (CDK7 strongly-dependent group 2 enhancer GRCh37_chr2:74057585-74058784; plus strand). Cytogenetic location: 2p13.1.
Variant type: single nucleotide variant.
Coding change: c.67A>G on transcript NM_213622.4 (MANE Select); coding-DNA position 67, A replaced by G.
Protein change: p.Ser23Gly; replaces serine 23 with glycine.
Molecular consequence: missense variant. On other transcripts: 5 prime UTR variant (5), non-coding transcript variant (4), intron variant (1).
Genome position (GRCh38, 1-based): chr2:73,830,923, A>G. VCF-style: chr2-73830923-A-G. GRCh37 (hg19) VCF-style: chr2-74058050-A-G.
Other names: c.67A>G, p.Ser23Gly (NM_001353967.2, NM_001353968.2, NM_001353969.2 and 3 more transcripts); c.-487A>G (NM_001353971.2, NM_001353973.2, NM_001353974.2 and 2 more transcripts); c.-203+1927A>G (NM_001353972.2); short protein forms S23G.
Identifiers: ClinVar variation 1950585 (VCV001950585.5), dbSNP rs2466265889, ClinGen allele CA347303422.